The following is an entry in ClinVar:

NM_001374736.1(DST):c.4194C>T (p.Leu1398=)

Gene: DST (dystonin; minus strand). Cytogenetic location: 6p12.1.
Variant type: single nucleotide variant.
Coding change: c.4194C>T on transcript NM_001374736.1 (MANE Select); coding-DNA position 4194, C replaced by T.
Protein change: p.Leu1398=; no amino-acid change (leucine 1398 retained).
Molecular consequence: synonymous variant.
Genome position (GRCh38, 1-based): chr6:56,630,332, G>A on the plus strand (C>T on the coding strand, the complement: DST is on the minus strand). VCF-style: chr6-56630332-G-A. GRCh37 (hg19) VCF-style: chr6-56495130-G-A.
Other names: c.2583C>T (NM_001723.5); c.4095C>T, p.Leu1365= (NM_001144769.5); c.3681C>T, p.Leu1227= (NM_001144770.2); c.4194C>T, p.Leu1398= (NM_001374722.1); c.3561C>T, p.Leu1187= (NM_001374729.1, NM_001374730.1, NM_001386100.1 and 1 more transcripts); c.4221C>T, p.Leu1407= (NM_001374734.1); c.2583C>T, p.Leu861= (NM_001723.7, NM_015548.5).
Identifiers: ClinVar variation 2934023 (VCV002934023.4), dbSNP rs375824783, ClinGen allele CA3870948.
Genomic context (GRCh38, chr6:56,630,332, plus strand): 5'-ATTATTCTTGTCAGCTATAACTGCTTCTTCTTCACACAGTTTAGTTTCATAGAGTTTTAC[G>A]AGGGCTTCTGCAGCTTGAGTGTTTTTTAACACCAAGTTAACAGTTTTCAACCTTAAAAAG-3'
Protein context (NP_001361665.1, residues 1388-1408): VLKNTQAAEA[Leu1398=]VKLYETKLCE

ClinVar aggregate classification (germline): Likely benign. Review status: criteria provided, multiple submitters, no conflicts (2 of 4 stars). 2 submissions from 2 submitters: Likely benign (2). Last evaluated 2026-04-29.

Conditions:
DST-related disorder. Also called: DST-related condition; DST-related disorders.
Epidermolysis bullosa simplex 3, localized or generalized intermediate, with BP230 deficiency (EBS3). Also called: Epidermolysis bullosa simplex, autosomal recessive 2; Epidermolysis bullosa simplex due to BP230 deficiency. Identifiers: Orphanet 412181, MedGen C3809470, MONDO:0014180, OMIM 615425.
Hereditary sensory and autonomic neuropathy type 6. Also called: Neuropathy, hereditary sensory and autonomic, type VI; HSAN VI. Identifiers: Orphanet 314381, MedGen C3539003, MONDO:0013839, OMIM 614653.

Allele frequency attached by ClinVar (database versions not stated): TOPMed 0.00005; ExAC 0.00006; gnomAD exomes 0.00006; ESP Exome Variant Server 0.00008; gnomAD 0.00008.
gnomAD v4.1: 96 of 1,612,636 alleles (0.006%); highest among the groups gnomAD compares: East Asian, 0.16%; no homozygotes.

Submissions (2):

PreventionGenetics, part of Exact Sciences
Classification: Likely benign for DST-related condition. Last evaluated: 2026-04-29. Review status: criteria provided, single submitter. Criteria: ACMG Guidelines, 2015. Collection method: clinical testing. Allele origin: germline.
Comment: This variant is classified as likely benign based on ACMG/AMP sequence variant interpretation guidelines (Richards et al. 2015 PMID: 25741868, with internal and published modifications).

Labcorp Genetics (formerly Invitae), Labcorp
Classification: Likely benign for Epidermolysis bullosa simplex 3, localized or generalized intermediate, with BP230 deficiency; Hereditary sensory and autonomic neuropathy type 6. Last evaluated: 2024-11-18. Review status: criteria provided, single submitter. Criteria: Invitae Variant Classification Sherloc (09022015). Collection method: clinical testing. Allele origin: germline.